The following is an entry in ClinVar:

ClinVar aggregate classification (germline): Benign. Review status: criteria provided, multiple submitters, no conflicts (2 of 4 stars). 3 submissions from 3 submitters: Benign (3). Last evaluated 2025-12-12.

Allele frequency attached by ClinVar (database versions not stated): gnomAD exomes 0.00070 and 0.00167; ExAC 0.00209; 1000 Genomes Project 0.00559; 1000 Genomes Project 30x 0.00593; gnomAD 0.00636 and 0.00655; TOPMed 0.00662; ESP Exome Variant Server 0.00707.

Submissions (3):

Labcorp Genetics (formerly Invitae), Labcorp
Classification: Benign. Last evaluated: 2025-12-12. Review status: criteria provided, single submitter. Criteria: Invitae Variant Classification Sherloc (09022015). Collection method: clinical testing. Allele origin: germline.

GeneDx
Classification: Benign. Last evaluated: 2017-02-24. Review status: criteria provided, single submitter. Criteria: GeneDx Variant Classification (06012015). Collection method: clinical testing. Allele origin: germline. Affected: yes.
Comment: This variant is considered likely benign or benign based on one or more of the following criteria: it is a conservative change, it occurs at a poorly conserved position in the protein, it is predicted to be benign by multiple in silico algorithms, and/or has population frequency not consistent with disease.

Breakthrough Genomics
Classification: Benign. Review status: criteria provided, single submitter. Criteria: ACMG Guidelines, 2015. Collection method: not provided. Allele origin: germline. Inheritance: Autosomal recessive inheritance. Affected: yes.

NM_213649.2(SFXN4):c.204A>G (p.Leu68=)

Gene: SFXN4 (sideroflexin 4; minus strand). Cytogenetic location: 10q26.11.
Variant type: single nucleotide variant.
Coding change: c.204A>G on transcript NM_213649.2 (MANE Select); coding-DNA position 204, A replaced by G.
Protein change: p.Leu68=; no amino-acid change (leucine 68 retained).
Molecular consequence: synonymous variant. On other transcripts: non-coding transcript variant (1).
Genome position (GRCh38, 1-based): chr10:119,162,388, T>C on the plus strand (A>G on the coding strand, the complement: SFXN4 is on the minus strand). VCF-style: chr10-119162388-T-C. GRCh37 (hg19) VCF-style: chr10-120921900-T-C.
Identifiers: ClinVar variation 516908 (VCV000516908.11), dbSNP rs148808232, ClinGen allele CA5714673.